The following is an entry in ClinVar:

ClinVar aggregate classification (germline): Uncertain significance. Review status: criteria provided, multiple submitters, no conflicts (2 of 4 stars). 2 submissions from 2 submitters: Uncertain significance (2). Last evaluated 2024-11-13.

Conditions:
Inborn genetic diseases. Identifiers: MedGen C0950123, MeSH D030342.

Allele frequency attached by ClinVar (database versions not stated): TOPMed 0.00002; gnomAD exomes 0.00003.
gnomAD v4.1: 43 of 1,589,384 alleles (0.0027%); highest among the groups gnomAD compares: Non-Finnish European, 0.0032%; no homozygotes.

Submissions (2):

Ambry Genetics
Classification: Uncertain significance for Inborn genetic diseases. Last evaluated: 2024-11-13. Review status: criteria provided, single submitter. Criteria: Ambry Variant Classification Scheme 2023. Collection method: clinical testing. Allele origin: germline.

Labcorp Genetics (formerly Invitae), Labcorp
Classification: Uncertain significance. Last evaluated: 2022-03-04. Review status: criteria provided, single submitter. Criteria: Invitae Variant Classification Sherloc (09022015). Collection method: clinical testing. Allele origin: germline.
Comment: This sequence change replaces serine, which is neutral and polar, with tryptophan, which is neutral and slightly polar, at codon 37 of the TSEN54 protein (p.Ser37Trp). This variant is present in population databases (no rsID available, gnomAD 0.002%). This variant has not been reported in the literature in individuals affected with TSEN54-related conditions. Algorithms developed to predict the effect of missense changes on protein structure and function are either unavailable or do not agree on the potential impact of this missense change (SIFT: "Deleterious"; PolyPhen-2: "Probably Damaging"; Align-GVGD: "Class C15"). In summary, the available evidence is currently insufficient to determine the role of this variant in disease. Therefore, it has been classified as a Variant of Uncertain Significance.

NM_207346.3(TSEN54):c.110C>G (p.Ser37Trp)

Gene: TSEN54 (tRNA splicing endonuclease subunit 54; plus strand). Cytogenetic location: 17q25.1.
Variant type: single nucleotide variant.
Coding change: c.110C>G on transcript NM_207346.3 (MANE Select); coding-DNA position 110, C replaced by G.
Protein change: p.Ser37Trp; replaces serine 37 with tryptophan.
Molecular consequence: missense variant.
Genome position (GRCh38, 1-based): chr17:75,516,799, C>G. VCF-style: chr17-75516799-C-G. GRCh37 (hg19) VCF-style: chr17-73512880-C-G.
Other names: c.110C>G (NM_207346.2); short protein forms S37W.
Identifiers: ClinVar variation 1937293 (VCV001937293.3), dbSNP rs866590713, ClinGen allele CA294075587.